The following is an entry in ClinVar:

ClinVar aggregate classification (germline): Likely benign (0 of 4 stars; one submission).

Conditions:
CACNA2D3-related disorder. Also called: CACNA2D3-related condition.

Allele frequency attached by ClinVar (database versions not stated): ExAC 0.00001; gnomAD exomes 0.00001; gnomAD 0.00003; TOPMed 0.00005.
gnomAD v4.1: 44 of 1,603,716 alleles (0.0027%); highest among the groups gnomAD compares: East Asian, 0.038%; no homozygotes.

Submission:

PreventionGenetics, part of Exact Sciences
Classification: Likely benign for CACNA2D3-related condition. Last evaluated: 2023-12-04. Review status: no assertion criteria provided. Collection method: clinical testing. Allele origin: germline.
Comment: This variant is classified as likely benign based on ACMG/AMP sequence variant interpretation guidelines (Richards et al. 2015 PMID: 25741868, with internal and published modifications).

NM_018398.3(CACNA2D3):c.2622T>C (p.Thr874=)

Gene: CACNA2D3 (calcium voltage-gated channel auxiliary subunit alpha2delta 3; plus strand). Cytogenetic location: 3p14.3.
Variant type: single nucleotide variant.
Coding change: c.2622T>C on transcript NM_018398.3 (MANE Select); coding-DNA position 2622, T replaced by C.
Protein change: p.Thr874=; no amino-acid change (threonine 874 retained).
Molecular consequence: synonymous variant.
Genome position (GRCh38, 1-based): chr3:54,987,685, T>C. VCF-style: chr3-54987685-T-C. GRCh37 (hg19) VCF-style: chr3-55021712-T-C.
Identifiers: ClinVar variation 3053166 (VCV003053166.2), dbSNP rs371792332, ClinGen allele CA2458627.